The following is an entry in ClinVar:

ClinVar aggregate classification (germline): Uncertain significance (1 of 4 stars; one submission).

Conditions:
Danon disease. Also called: ANTOPOL DISEASE; Glycogen Storage Disease Type IIb; PSEUDOGLYCOGENOSIS II; GSD IIb; LYSOSOMAL GLYCOGEN STORAGE DISEASE WITHOUT ACID MALTASE DEFICIENCY. Identifiers: Orphanet 34587, MedGen C0878677, MONDO:0010281, OMIM 300257.

Allele frequency attached by ClinVar (database versions not stated): gnomAD exomes below 0.00001 and 0.00001; TOPMed below 0.00001.
gnomAD v4.1: 1 of 1,210,351 alleles (0.000083%); highest among the groups gnomAD compares: African/African-American, 0.0017%; no homozygotes.

Submission:

Labcorp Genetics (formerly Invitae), Labcorp
Classification: Uncertain significance for Danon disease. Last evaluated: 2022-03-18. Review status: criteria provided, single submitter. Criteria: Invitae Variant Classification Sherloc (09022015). Collection method: clinical testing. Allele origin: germline.
Comment: In summary, the available evidence is currently insufficient to determine the role of this variant in disease. Therefore, it has been classified as a Variant of Uncertain Significance. This sequence change replaces serine, which is neutral and polar, with isoleucine, which is neutral and non-polar, at codon 327 of the LAMP2 protein (p.Ser327Ile). The frequency data for this variant in the population databases is considered unreliable, as metrics indicate poor data quality at this position in the gnomAD database. This variant has not been reported in the literature in individuals affected with LAMP2-related conditions. ClinVar contains an entry for this variant (Variation ID: 566749). Algorithms developed to predict the effect of missense changes on protein structure and function are either unavailable or do not agree on the potential impact of this missense change (SIFT: "Deleterious"; PolyPhen-2: "Probably Damaging"; Align-GVGD: "Class C0").

NM_002294.3(LAMP2):c.980G>T (p.Ser327Ile)

Gene: LAMP2 (lysosome associated membrane protein 2; minus strand). Cytogenetic location: Xq24.
Variant type: single nucleotide variant.
Coding change: c.980G>T on transcript NM_002294.3 (MANE Select); coding-DNA position 980, G replaced by T.
Protein change: p.Ser327Ile; replaces serine 327 with isoleucine.
Molecular consequence: missense variant.
Genome position (GRCh38, 1-based): chrX:120,441,843, C>A on the plus strand (G>T on the coding strand, the complement: LAMP2 is on the minus strand). VCF-style: chrX-120441843-C-A. GRCh37 (hg19) VCF-style: chrX-119575698-C-A.
Other names: c.980G>T, p.Ser327Ile (NM_001122606.1, NM_013995.2); short protein forms S327I.
Identifiers: ClinVar variation 566749 (VCV000566749.8), dbSNP rs960241982, ClinGen allele CA335013104.